The following is an entry in ClinVar:

ClinVar aggregate classification (germline): Uncertain significance (1 of 4 stars; one submission).

Conditions:
Malignant hyperthermia, susceptibility to, 5 (MHS5). Also called: CACNA1S-Related Malignant Hyperthermia Susceptibility. Identifiers: Orphanet 423, MedGen C1866077, MONDO:0011163, OMIM 601887.
Hypokalemic periodic paralysis, type 1. Also called: HypoPP; Hypokalemic Periodic Paralysis Type 1 (AD). Identifiers: Orphanet 681, MedGen C3714580, MONDO:0042979, OMIM 170400.

Submission:

Labcorp Genetics (formerly Invitae), Labcorp
Classification: Uncertain significance for Hypokalemic periodic paralysis, type 1; Malignant hyperthermia, susceptibility to, 5. Last evaluated: 2023-09-30. Review status: criteria provided, single submitter. Criteria: Invitae Variant Classification Sherloc (09022015). Collection method: clinical testing. Allele origin: germline.
Comment: This sequence change affects codon 51 of the CACNA1S mRNA. It is a 'silent' change, meaning that it does not change the encoded amino acid sequence of the CACNA1S protein. It affects a nucleotide within the consensus splice site. This variant is not present in population databases (gnomAD no frequency). This variant has not been reported in the literature in individuals affected with CACNA1S-related conditions. Algorithms developed to predict the effect of sequence changes on RNA splicing suggest that this variant is not likely to affect RNA splicing. In summary, the available evidence is currently insufficient to determine the role of this variant in disease. Therefore, it has been classified as a Variant of Uncertain Significance.

NM_000069.3(CACNA1S):c.153G>A (p.Lys51=)

Gene: CACNA1S (calcium voltage-gated channel subunit alpha1 S; minus strand). Cytogenetic location: 1q32.1.
Variant type: single nucleotide variant.
Coding change: c.153G>A on transcript NM_000069.3 (MANE Select); coding-DNA position 153, G replaced by A.
Protein change: p.Lys51=; no amino-acid change (lysine 51 retained).
Molecular consequence: synonymous variant.
Genome position (GRCh38, 1-based): chr1:201,110,269, C>T on the plus strand (G>A on the coding strand, the complement: CACNA1S is on the minus strand). VCF-style: chr1-201110269-C-T. GRCh37 (hg19) VCF-style: chr1-201079397-C-T.
Identifiers: ClinVar variation 2942300 (VCV002942300.3), dbSNP rs2464692237, ClinGen allele CA422697525.